The following is an entry in ClinVar:

ClinVar aggregate classification (germline): Uncertain significance (1 of 4 stars; one submission).

gnomAD v4.1: 3 of 1,597,744 alleles (0.00019%); highest among the groups gnomAD compares: Non-Finnish European, 0.00026%; no homozygotes.

Submission:

Labcorp Genetics (formerly Invitae), Labcorp
Classification: Uncertain significance. Last evaluated: 2025-12-17. Review status: criteria provided, single submitter. Criteria: Invitae Variant Classification Sherloc (09022015). Collection method: clinical testing. Allele origin: germline.
Comment: This sequence change replaces valine, which is neutral and non-polar, with isoleucine, which is neutral and non-polar, at codon 275 of the MAP3K8 protein (p.Val275Ile). This variant is not present in population databases (gnomAD no frequency). This variant has not been reported in the literature in individuals affected with MAP3K8-related conditions. An algorithm developed to predict the effect of missense changes on protein structure and function (PolyPhen-2) suggests that this variant is likely to be tolerated. In summary, the available evidence is currently insufficient to determine the role of this variant in disease. Therefore, it has been classified as a Variant of Uncertain Significance.

NM_005204.4(MAP3K8):c.823G>A (p.Val275Ile)

Gene: MAP3K8 (mitogen-activated protein kinase kinase kinase 8; plus strand). Cytogenetic location: 10p11.23.
Variant type: single nucleotide variant.
Coding change: c.823G>A on transcript NM_005204.4 (MANE Select); coding-DNA position 823, G replaced by A.
Protein change: p.Val275Ile; replaces valine 275 with isoleucine.
Molecular consequence: missense variant.
Genome position (GRCh38, 1-based): chr10:30,451,694, G>A. VCF-style: chr10-30451694-G-A. GRCh37 (hg19) VCF-style: chr10-30740623-G-A.
Other names: c.823G>A, p.Val275Ile (NM_001244134.1, NM_001320961.2); short protein forms V275I.
Identifiers: ClinVar variation 4701041 (VCV004701041.1).